The following is an entry in ClinVar:

ClinVar aggregate classification (germline): Uncertain significance. Review status: criteria provided, multiple submitters, no conflicts (2 of 4 stars). 2 submissions from 2 submitters: Uncertain significance (2). Last evaluated 2025-03-15.

Conditions:
Intellectual developmental disorder, autosomal dominant 6, with or without seizures. Also called: GRIN2B-related developmental delay, intellectual disability and autism spectrum disorder; Intellectual disability, autosomal dominant 6. Identifiers: Orphanet 589547, MedGen C3151411, MONDO:0013509, OMIM 613970.
Developmental and epileptic encephalopathy, 27 (DEE27). Also called: GRIN2B-Related Neurodevelopmental Disorder; Epileptic encephalopathy, early infantile, 27. Identifiers: Orphanet 3451, MedGen C4015316, MONDO:0014505, OMIM 616139.

gnomAD v4.1: 2 of 1,614,116 alleles (0.00012%); highest among the groups gnomAD compares: South Asian, 0.0011%; no homozygotes.

Submissions (2):

Labcorp Genetics (formerly Invitae), Labcorp
Classification: Uncertain significance for Developmental and epileptic encephalopathy, 27; Intellectual developmental disorder, autosomal dominant 6, with or without seizures. Last evaluated: 2025-03-15. Review status: criteria provided, single submitter. Criteria: Invitae Variant Classification Sherloc (09022015). Collection method: clinical testing. Allele origin: germline.
Comment: This sequence change replaces methionine, which is neutral and non-polar, with leucine, which is neutral and non-polar, at codon 851 of the GRIN2B protein (p.Met851Leu). This variant is not present in population databases (gnomAD no frequency). This variant has not been reported in the literature in individuals affected with GRIN2B-related conditions. ClinVar contains an entry for this variant (Variation ID: 1395484). Invitae Evidence Modeling of protein sequence and biophysical properties (such as structural, functional, and spatial information, amino acid conservation, physicochemical variation, residue mobility, and thermodynamic stability) indicates that this missense variant is not expected to disrupt GRIN2B protein function with a negative predictive value of 80%. In summary, the available evidence is currently insufficient to determine the role of this variant in disease. Therefore, it has been classified as a Variant of Uncertain Significance.

Neuberg Centre For Genomic Medicine, NCGM
Classification: Uncertain significance for Developmental and epileptic encephalopathy, 27. Last evaluated: 2024-02-01. Review status: criteria provided, single submitter. Criteria: ACMG Guidelines, 2015. Collection method: clinical testing. Allele origin: germline. Inheritance: Autosomal dominant inheritance.
Comment: The missense variant c.2551A>T(p.Met851Leu) in GRIN2B gene has not been reported previously as a pathogenic variant nor as a benign variant, to our knowledge. The amino acid Met at position 851 is changed to a Leu changing protein sequence and it might alter its composition and physico-chemical properties. For these reasons, this variant has been classified as Uncertain Significance.

NM_000834.5(GRIN2B):c.2551A>T (p.Met851Leu)

Gene: GRIN2B (glutamate ionotropic receptor NMDA type subunit 2B; minus strand). Cytogenetic location: 12p13.1.
Variant type: single nucleotide variant.
Coding change: c.2551A>T on transcript NM_000834.5 (MANE Select); coding-DNA position 2551, A replaced by T.
Protein change: p.Met851Leu; replaces methionine 851 with leucine.
Molecular consequence: missense variant.
Genome position (GRCh38, 1-based): chr12:13,567,072, T>A on the plus strand (A>T on the coding strand, the complement: GRIN2B is on the minus strand). VCF-style: chr12-13567072-T-A. GRCh37 (hg19) VCF-style: chr12-13720006-T-A.
Other names: short protein forms M851L.
Identifiers: ClinVar variation 1395484 (VCV001395484.7), dbSNP rs1948649948, ClinGen allele CA383996050.